The following is an entry in ClinVar:

NM_000334.4(SCN4A):c.2454G>C (p.Glu818Asp)

Genes: GH-LCR (growth hormone locus control region; plus strand), SCN4A (sodium voltage-gated channel alpha subunit 4; minus strand). Cytogenetic location: 17q23.3.
Variant type: single nucleotide variant.
Coding change: c.2454G>C on transcript NM_000334.4 (MANE Select); coding-DNA position 2454, G replaced by C.
Protein change: p.Glu818Asp; replaces glutamic acid 818 with aspartic acid.
Molecular consequence: missense variant.
Genome position (GRCh38, 1-based): chr17:63,951,823, C>G on the plus strand (G>C on the coding strand, the complement: SCN4A is on the minus strand). VCF-style: chr17-63951823-C-G. GRCh37 (hg19) VCF-style: chr17-62029183-C-G.
Other names: short protein forms E818D.
Identifiers: ClinVar variation 1486175 (VCV001486175.6), dbSNP rs1908924564, ClinGen allele CA400627114.

ClinVar aggregate classification (germline): Uncertain significance (1 of 4 stars; one submission).

Conditions:
Hyperkalemic periodic paralysis. Also called: Familial hyperkalemic periodic paralysis; Gamstorp disease. Identifiers: Orphanet 682, MedGen C0238357, MONDO:0008224, OMIM 170500, HP:0007215.

Allele frequency attached by ClinVar (database versions not stated): TOPMed below 0.00001.

Submission:

Labcorp Genetics (formerly Invitae), Labcorp
Classification: Uncertain significance for Hyperkalemic periodic paralysis. Last evaluated: 2022-06-20. Review status: criteria provided, single submitter. Criteria: Invitae Variant Classification Sherloc (09022015). Collection method: clinical testing. Allele origin: germline.
Comment: In summary, the available evidence is currently insufficient to determine the role of this variant in disease. Therefore, it has been classified as a Variant of Uncertain Significance. Algorithms developed to predict the effect of missense changes on protein structure and function (SIFT, PolyPhen-2, Align-GVGD) all suggest that this variant is likely to be disruptive. This variant has not been reported in the literature in individuals affected with SCN4A-related conditions. This variant is not present in population databases (gnomAD no frequency). This sequence change replaces glutamic acid, which is acidic and polar, with aspartic acid, which is acidic and polar, at codon 818 of the SCN4A protein (p.Glu818Asp).